The following is an entry in ClinVar:

NM_000264.5(PTCH1):c.3349C>G (p.Leu1117Val)

Gene: PTCH1 (patched 1; minus strand). Cytogenetic location: 9q22.32.
Variant type: single nucleotide variant.
Coding change: c.3349C>G on transcript NM_000264.5 (MANE Select); coding-DNA position 3349, C replaced by G.
Protein change: p.Leu1117Val; replaces leucine 1117 with valine.
Molecular consequence: missense variant. On other transcripts: non-coding transcript variant (1).
Genome position (GRCh38, 1-based): chr9:95,453,578, G>C on the plus strand (C>G on the coding strand, the complement: PTCH1 is on the minus strand). VCF-style: chr9-95453578-G-C. GRCh37 (hg19) VCF-style: chr9-98215860-G-C.
Other names: c.2896C>G, p.Leu966Val (NM_001083607.3, NM_001083604.3, NM_001083605.3 and 1 more transcripts); c.3193C>G, p.Leu1065Val (NM_001354918.2); c.3151C>G, p.Leu1051Val (NM_001083602.3); c.3346C>G, p.Leu1116Val (NM_001083603.3); short protein forms L1051V, L1065V, L1117V, L966V, L1116V.
Identifiers: ClinVar variation 2006893 (VCV002006893.4), dbSNP rs1395751628, ClinGen allele CA374111852.

ClinVar aggregate classification (germline): Uncertain significance (1 of 4 stars; one submission).

Conditions:
Gorlin syndrome. Also called: Nevoid Basal Cell Carcinoma Syndrome; Basal cell nevus syndrome. Identifiers: Orphanet 377, MedGen C0004779, MONDO:0007187.

Allele frequency attached by ClinVar (database versions not stated): gnomAD exomes below 0.00001.
gnomAD v4.1: 1 of 1,614,044 alleles (0.000062%); no homozygotes.

Submission:

Labcorp Genetics (formerly Invitae), Labcorp
Classification: Uncertain significance for Gorlin syndrome. Last evaluated: 2022-06-15. Review status: criteria provided, single submitter. Criteria: Invitae Variant Classification Sherloc (09022015). Collection method: clinical testing. Allele origin: germline.
Comment: This sequence change replaces leucine, which is neutral and non-polar, with valine, which is neutral and non-polar, at codon 1117 of the PTCH1 protein (p.Leu1117Val). This variant is not present in population databases (gnomAD no frequency). This variant has not been reported in the literature in individuals affected with PTCH1-related conditions. Advanced modeling of protein sequence and biophysical properties (such as structural, functional, and spatial information, amino acid conservation, physicochemical variation, residue mobility, and thermodynamic stability) performed at Invitae indicates that this missense variant is not expected to disrupt PTCH1 protein function. In summary, the available evidence is currently insufficient to determine the role of this variant in disease. Therefore, it has been classified as a Variant of Uncertain Significance.